The following is an entry in ClinVar:

NM_007078.3(LDB3):c.1077C>G (p.Asp359Glu)

Gene: LDB3 (LIM domain binding 3; plus strand). Cytogenetic location: 10q23.2.
Variant type: single nucleotide variant.
Coding change: c.1077C>G on transcript NM_007078.3 (MANE Select); coding-DNA position 1077, C replaced by G.
Protein change: p.Asp359Glu; replaces aspartic acid 359 with glutamic acid.
Molecular consequence: missense variant. On other transcripts: intron variant (4).
Genome position (GRCh38, 1-based): chr10:86,706,711, C>G. VCF-style: chr10-86706711-C-G. GRCh37 (hg19) VCF-style: chr10-88466468-C-G.
Other names: c.936C>G, p.Asp312Glu (NM_001368066.1); c.897-3194C>G (NM_001368064.1, NM_001368065.1); c.1101-3194C>G (NM_001171610.2); c.756-3194C>G (NM_001080114.2); short protein forms D312E, D359E.
Identifiers: ClinVar variation 2266092 (VCV002266092.2), dbSNP rs2492762135, ClinGen allele CA377447377.

ClinVar aggregate classification (germline): Uncertain significance (1 of 4 stars; one submission).

Conditions:
Cardiovascular phenotype. Identifiers: MedGen CN230736.

Allele frequency attached by ClinVar (database versions not stated): gnomAD exomes below 0.00001.
gnomAD v4.1: 1 of 1,611,820 alleles (0.000062%); highest among the groups gnomAD compares: Non-Finnish European, 0.000085%; no homozygotes.

Submission:

Ambry Genetics
Classification: Uncertain significance for Cardiovascular phenotype. Last evaluated: 2023-06-01. Review status: criteria provided, single submitter. Criteria: Ambry Variant Classification Scheme 2023. Collection method: clinical testing. Allele origin: germline.
Comment: The p.D359E variant (also known as c.1077C>G), located in coding exon 7 of the LDB3 gene, results from a C to G substitution at nucleotide position 1077. The aspartic acid at codon 359 is replaced by glutamic acid, an amino acid with highly similar properties. This amino acid position is conserved. In addition, this alteration is predicted to be tolerated by in silico analysis. Since supporting evidence is limited at this time, the clinical significance of this alteration remains unclear.